The following is an entry in ClinVar:

ClinVar aggregate classification (germline): Uncertain significance (1 of 4 stars; one submission).

Conditions:
Aicardi-Goutieres syndrome 4. Identifiers: Orphanet 51, MedGen C1835912, MONDO:0012472, OMIM 610333.

Submission:

Labcorp Genetics (formerly Invitae), Labcorp
Classification: Uncertain significance for Aicardi-Goutieres syndrome 4. Last evaluated: 2022-11-01. Review status: criteria provided, single submitter. Criteria: Invitae Variant Classification Sherloc (09022015). Collection method: clinical testing. Allele origin: germline.
Comment: Algorithms developed to predict the effect of missense changes on protein structure and function (SIFT, PolyPhen-2, Align-GVGD) all suggest that this variant is likely to be tolerated. In summary, the available evidence is currently insufficient to determine the role of this variant in disease. Therefore, it has been classified as a Variant of Uncertain Significance. This variant has not been reported in the literature in individuals affected with RNASEH2A-related conditions. This variant is not present in population databases (gnomAD no frequency). This sequence change replaces glutamic acid, which is acidic and polar, with alanine, which is neutral and non-polar, at codon 255 of the RNASEH2A protein (p.Glu255Ala).

NM_006397.3(RNASEH2A):c.764A>C (p.Glu255Ala)

Gene: RNASEH2A (ribonuclease H2 subunit A; plus strand). Cytogenetic location: 19p13.13.
Variant type: single nucleotide variant.
Coding change: c.764A>C on transcript NM_006397.3 (MANE Select); coding-DNA position 764, A replaced by C.
Protein change: p.Glu255Ala; replaces glutamic acid 255 with alanine.
Molecular consequence: missense variant.
Genome position (GRCh38, 1-based): chr19:12,813,330, A>C. VCF-style: chr19-12813330-A-C. GRCh37 (hg19) VCF-style: chr19-12924144-A-C.
Other names: short protein forms E255A.
Identifiers: ClinVar variation 1717340 (VCV001717340.5), dbSNP rs1305543638, ClinGen allele CA404269571.
Genomic context (GRCh38, chr19:12,813,330, plus strand): 5'-CTGCCTGAGAGGGTTGCTCCCTGTGTAAGTGGTCACTGTCATCACCTCTCTCCCACAGGG[A>C]GGACTCAGCATCCGAGAATCAGGAGGGACTCAGGAAGATCACATCCTACTTCCTCAATGA-3'
Protein context (NP_006388.2, residues 245-265): LEKEAEDVIW[Glu255Ala]DSASENQEGL